The following is an entry in ClinVar:

NM_001429.4(EP300):c.4742C>T (p.Ser1581Leu)

Gene: EP300 (EP300 lysine acetyltransferase; plus strand). Cytogenetic location: 22q13.2.
Variant type: single nucleotide variant.
Coding change: c.4742C>T on transcript NM_001429.4 (MANE Select); coding-DNA position 4742, C replaced by T.
Protein change: p.Ser1581Leu; replaces serine 1581 with leucine.
Molecular consequence: missense variant.
Genome position (GRCh38, 1-based): chr22:41,173,747, C>T. VCF-style: chr22-41173747-C-T. GRCh37 (hg19) VCF-style: chr22-41569751-C-T.
Other names: c.4664C>T, p.Ser1555Leu (NM_001362843.2); short protein forms S1555L, S1581L.
Identifiers: ClinVar variation 3389645 (VCV003389645.14).

ClinVar aggregate classification (germline): Uncertain significance (1 of 4 stars; one submission).

Submission:

CeGaT Center for Human Genetics Tuebingen
Classification: Uncertain significance. Last evaluated: 2024-09-01. Review status: criteria provided, single submitter. Criteria: CeGaT Center For Human Genetics Tuebingen Variant Classification Criteria Version 2. Collection method: clinical testing. Allele origin: germline. Affected: yes. Observed: 1 variant allele.
Comment: EP300: PM2, PP3